The following is an entry in ClinVar:

NM_014908.4(DOLK):c.1315G>A (p.Val439Ile)

Gene: DOLK (dolichol kinase; minus strand). Cytogenetic location: 9q34.11.
Variant type: single nucleotide variant.
Coding change: c.1315G>A on transcript NM_014908.4 (MANE Select); coding-DNA position 1315, G replaced by A.
Protein change: p.Val439Ile; replaces valine 439 with isoleucine.
Molecular consequence: missense variant.
Genome position (GRCh38, 1-based): chr9:128,945,989, C>T on the plus strand (G>A on the coding strand, the complement: DOLK is on the minus strand). VCF-style: chr9-128945989-C-T. GRCh37 (hg19) VCF-style: chr9-131708268-C-T.
Other names: c.1315G>A (NM_014908.3); short protein forms V439I.
Identifiers: ClinVar variation 1007345 (VCV001007345.8), dbSNP rs372057636, ClinGen allele CA5271588.

ClinVar aggregate classification (germline): Uncertain significance. Review status: criteria provided, multiple submitters, no conflicts (2 of 4 stars). 3 submissions from 3 submitters: Uncertain significance (3). Last evaluated 2024-06-21.

Conditions:
Cardiovascular phenotype. Identifiers: MedGen CN230736.
DK1-congenital disorder of glycosylation. Also called: CONGENITAL DISORDER OF GLYCOSYLATION, TYPE Im; CDG Im; DK1-CDG; DK1 DEFICIENCY; DOLICHOL KINASE DEFICIENCY; DOLK-congenital disorder of glycosylation. Identifiers: Orphanet 91131, MedGen C1835849, MONDO:0012556, OMIM 610768.

Allele frequency attached by ClinVar (database versions not stated): gnomAD 0.00002; gnomAD exomes 0.00002 and 0.00003; TOPMed 0.00002; ExAC 0.00003; ESP Exome Variant Server 0.00008.

Submissions (3):

Ambry Genetics
Classification: Uncertain significance for Cardiovascular phenotype. Last evaluated: 2024-06-21. Review status: criteria provided, single submitter. Criteria: Ambry Variant Classification Scheme 2023. Collection method: clinical testing. Allele origin: germline.
Comment: The p.V439I variant (also known as c.1315G>A), located in coding exon 1 of the DOLK gene, results from a G to A substitution at nucleotide position 1315. The valine at codon 439 is replaced by isoleucine, an amino acid with highly similar properties. This amino acid position is well conserved in available vertebrate species. In addition, this alteration is predicted to be tolerated by in silico analysis. Based on the available evidence, the clinical significance of this variant remains unclear.

Labcorp Genetics (formerly Invitae), Labcorp
Classification: Uncertain significance for DK1-congenital disorder of glycosylation. Last evaluated: 2022-02-25. Review status: criteria provided, single submitter. Criteria: Invitae Variant Classification Sherloc (09022015). Collection method: clinical testing. Allele origin: germline.
Comment: This sequence change replaces valine, which is neutral and non-polar, with isoleucine, which is neutral and non-polar, at codon 439 of the DOLK protein (p.Val439Ile). This variant is present in population databases (rs372057636, gnomAD 0.006%). This variant has not been reported in the literature in individuals affected with DOLK-related conditions. ClinVar contains an entry for this variant (Variation ID: 1007345). Algorithms developed to predict the effect of missense changes on protein structure and function (SIFT, PolyPhen-2, Align-GVGD) all suggest that this variant is likely to be tolerated. In summary, the available evidence is currently insufficient to determine the role of this variant in disease. Therefore, it has been classified as a Variant of Uncertain Significance.

Fulgent Genetics
Classification: Uncertain significance for DK1-congenital disorder of glycosylation. Last evaluated: 2021-10-12. Review status: criteria provided, single submitter. Criteria: ACMG Guidelines, 2015. Collection method: clinical testing. Allele origin: unknown.